The following is an entry in ClinVar:

NM_004104.5(FASN):c.7222C>T (p.His2408Tyr)

Genes: FASN (fatty acid synthase; minus strand), LOC129390948 (MPRA-validated peak3028 silencer; plus strand). Cytogenetic location: 17q25.3.
Variant type: single nucleotide variant.
Coding change: c.7222C>T on transcript NM_004104.5 (MANE Select); coding-DNA position 7222, C replaced by T.
Protein change: p.His2408Tyr; replaces histidine 2408 with tyrosine.
Molecular consequence: missense variant.
Genome position (GRCh38, 1-based): chr17:82,079,533, G>A on the plus strand (C>T on the coding strand, the complement: FASN is on the minus strand). VCF-style: chr17-82079533-G-A. GRCh37 (hg19) VCF-style: chr17-80037409-G-A.
Other names: short protein forms H2408Y.
Identifiers: ClinVar variation 1409923 (VCV001409923.6), dbSNP rs778458089, ClinGen allele CA8851064.

ClinVar aggregate classification (germline): Uncertain significance (1 of 4 stars; one submission).

Conditions:
Epileptic encephalopathy. Identifiers: MedGen C0543888, HP:0200134.

Allele frequency attached by ClinVar (database versions not stated): gnomAD exomes below 0.00001; ExAC 0.00001; TOPMed 0.00001.
gnomAD v4.1: 2 of 1,610,598 alleles (0.00012%); highest among the groups gnomAD compares: South Asian, 0.0022%; no homozygotes.

Submission:

Labcorp Genetics (formerly Invitae), Labcorp
Classification: Uncertain significance for Epileptic encephalopathy. Last evaluated: 2024-10-17. Review status: criteria provided, single submitter. Criteria: Invitae Variant Classification Sherloc (09022015). Collection method: clinical testing. Allele origin: germline.
Comment: This sequence change replaces histidine, which is basic and polar, with tyrosine, which is neutral and polar, at codon 2408 of the FASN protein (p.His2408Tyr). This variant is present in population databases (rs778458089, gnomAD 0.003%). This variant has not been reported in the literature in individuals affected with FASN-related conditions. ClinVar contains an entry for this variant (Variation ID: 1409923). An algorithm developed to predict the effect of missense changes on protein structure and function (PolyPhen-2) suggests that this variant is likely to be tolerated. In summary, the available evidence is currently insufficient to determine the role of this variant in disease. Therefore, it has been classified as a Variant of Uncertain Significance.